The following is an entry in ClinVar:

NM_002691.4(POLD1):c.1465G>A (p.Val489Met)

Gene: POLD1 (DNA polymerase delta 1, catalytic subunit; plus strand). Cytogenetic location: 19q13.33.
Variant type: single nucleotide variant.
Coding change: c.1465G>A on transcript NM_002691.4 (MANE Select); coding-DNA position 1465, G replaced by A.
Protein change: p.Val489Met; replaces valine 489 with methionine.
Molecular consequence: missense variant. On other transcripts: non-coding transcript variant (1).
Genome position (GRCh38, 1-based): chr19:50,406,488, G>A. VCF-style: chr19-50406488-G-A. GRCh37 (hg19) VCF-style: chr19-50909745-G-A.
Other names: c.1465G>A, p.Val489Met (NM_001256849.1, NM_001308632.1); short protein forms V489M.
Identifiers: ClinVar variation 408015 (VCV000408015.29), dbSNP rs753244422, ClinGen allele CA9596144.

ClinVar aggregate classification (germline): Uncertain significance. Review status: criteria provided, multiple submitters, no conflicts (2 of 4 stars). 9 submissions from 9 submitters: Uncertain significance (7). 2 of the submissions do not count toward it. Last evaluated 2026-01-12.

Conditions:
POLD1-related polyposis and colorectal cancer syndrome (CRCS10). Also called: Colorectal cancer, susceptibility to, 10; Colorectal cancer 10; COLORECTAL CANCER, SUSCEPTIBILITY TO, ON CHROMOSOME 19q. Identifiers: Orphanet 220460, MedGen C2675481, MONDO:0012953, OMIM 612591.
POLD1-related disorder. Also called: POLD1-related disorders; POLD1-related condition.
Hereditary cancer-predisposing syndrome. Also called: Neoplastic Syndromes, Hereditary; Hereditary neoplastic syndrome; Hereditary Cancer Syndrome; Tumor predisposition. Identifiers: Orphanet 140162, MedGen C0027672, MeSH D009386, MONDO:0015356.

Allele frequency attached by ClinVar (database versions not stated): gnomAD 0.00001; gnomAD exomes 0.00003 and 0.00006; TOPMed 0.00003; ExAC 0.00006.
gnomAD v4.1: 38 of 1,592,502 alleles (0.0024%); highest among the groups gnomAD compares: Admixed American, 0.016%; no homozygotes.

Submissions (9):

Labcorp Genetics (formerly Invitae), Labcorp
Classification: Uncertain significance for POLD1-related polyposis and colorectal cancer syndrome. Last evaluated: 2026-01-12. Review status: criteria provided, single submitter. Criteria: Invitae Variant Classification Sherloc (09022015). Collection method: clinical testing. Allele origin: germline.
Comment: This sequence change replaces valine, which is neutral and non-polar, with methionine, which is neutral and non-polar, at codon 489 of the POLD1 protein (p.Val489Met). This variant is present in population databases (rs753244422, gnomAD 0.03%). This missense change has been observed in individual(s) with adenomatous polyposis (PMID: 31285513). ClinVar contains an entry for this variant (Variation ID: 408015). Invitae Evidence Modeling of protein sequence and biophysical properties (such as structural, functional, and spatial information, amino acid conservation, physicochemical variation, residue mobility, and thermodynamic stability) indicates that this missense variant is not expected to disrupt POLD1 protein function with a negative predictive value of 80%. In summary, the available evidence is currently insufficient to determine the role of this variant in disease. Therefore, it has been classified as a Variant of Uncertain Significance.

Dasa
Classification: Uncertain significance. Last evaluated: 2025-04-24. Review status: criteria provided, single submitter. Criteria: DASA Assertion Criteria. Collection method: clinical testing. Allele origin: germline.
Comment: NM_002691.4(POLD1):c.1465G>A (p.Val489Met) is a missense variant that results in the substitution of valine with methionine. This variant is rare in population databases. Computational prediction algorithms are consistent with a benign effect. The currently available literature and clinical evidence are not sufficient to establish a definitive association between this variant and the reported condition. Therefore, this variant is classified as a variant of uncertain significance.

Molecular Pathology, Peter Maccallum Cancer Centre
Classification: Uncertain significance for POLD1-related polyposis and colorectal cancer syndrome. Last evaluated: 2025-01-21. Review status: criteria provided, single submitter. Criteria: ACMG Guidelines, 2015. Collection method: clinical testing. Allele origin: germline. Inheritance: Autosomal dominant inheritance.

Ambry Genetics
Classification: Uncertain significance for Hereditary cancer-predisposing syndrome. Last evaluated: 2024-09-21. Review status: criteria provided, single submitter. Criteria: Ambry Variant Classification Scheme 2023. Collection method: clinical testing. Allele origin: germline.
Comment: The p.V489M variant (also known as c.1465G>A), located in coding exon 11 of the POLD1 gene, results from a G to A substitution at nucleotide position 1465. The valine at codon 489 is replaced by methionine, an amino acid with highly similar properties. This alteration has been reported as a variant of uncertain significance in a cohort of 158 attenuated adenomatous polyposis patients (Lorca V et al. Sci Rep, 2019 07;9:9814). This amino acid position is highly conserved in available vertebrate species. In addition, the in silico prediction for this alteration is inconclusive. Based on the available evidence, the clinical significance of this variant remains unclear.

Quest Diagnostics Nichols Institute San Juan Capistrano
Classification: Uncertain significance. Last evaluated: 2024-04-22. Review status: criteria provided, single submitter. Criteria: Quest Diagnostics criteria. Collection method: clinical testing. Allele origin: unknown.
Comment: The POLD1 c.1465G>A (p.Val489Met) variant has been reported in the published literature in individual with attenuated adenomatous polyposis (PMID: 31285513 (2019)). The frequency of this variant in the general population, 0.00026 (8/30808 chromosomes in Admixed American subpopulation (Genome Aggregation Database)), is higher than would generally be expected for pathogenic variants in this gene. Analysis of this variant using bioinformatics tools for the prediction of the effect of amino acid changes on protein structure and function yielded predictions that this variant is damaging. Based on the available information, we are unable to determine the clinical significance of this variant.

Baylor Genetics
Classification: Uncertain significance for POLD1-related polyposis and colorectal cancer syndrome. Last evaluated: 2024-03-19. Review status: criteria provided, single submitter. Criteria: ACMG Guidelines, 2015. Collection method: clinical testing. Allele origin: unknown.

GeneDx
Classification: Uncertain significance. Last evaluated: 2023-10-25. Review status: criteria provided, single submitter. Criteria: GeneDx Variant Classification Process June 2021. Collection method: clinical testing. Allele origin: germline. Affected: yes.
Comment: In silico analysis supports that this missense variant has a deleterious effect on protein structure/function; This variant is associated with the following publications: (PMID: 31285513, 11988770, 20951805)

PreventionGenetics, part of Exact Sciences
Classification: Uncertain significance for POLD1-related condition. Last evaluated: 2024-09-06. Review status: no assertion criteria provided. Collection method: clinical testing. Allele origin: germline. Not counted in ClinVar's aggregate classification.
Comment: The POLD1 c.1465G>A variant is predicted to result in the amino acid substitution p.Val489Met. This variant has been reported in cohort study of individuals with adenomatous polyposis (Supplementary Table 3A and Table 2, Lorca et al. 2019. PubMed ID: 31285513). This variant is reported in 0.026% of alleles in individuals of Latino descent in gnomAD and is also present in the ClinVar database as a variant of uncertain significance. At this time, the clinical significance of this variant is uncertain due to the absence of conclusive functional and genetic evidence.

Molecular Oncology Laboratory, Hospital Clínico San Carlos
Classification: Uncertain significance for POLD1-related polyposis and colorectal cancer syndrome. Last evaluated: 2018-06-01. Review status: no assertion criteria provided. Criteria: ACMG Guidelines, 2015. Collection method: clinical testing. Allele origin: germline. Inheritance: Autosomal dominant inheritance. Affected: yes. Not counted in ClinVar's aggregate classification.

Literature cited by the submitters: PubMed 31285513 (cited by 3 submitters).